The following is an entry in ClinVar:

NM_001854.4(COL11A1):c.898-217A>C

Gene: COL11A1 (collagen type XI alpha 1 chain; minus strand). Cytogenetic location: 1p21.1.
Variant type: single nucleotide variant.
Coding change: c.898-217A>C on transcript NM_001854.4 (MANE Select); 217 bases into the intron before coding-DNA position 898, A replaced by C.
Molecular consequence: intron variant. On other transcripts: missense variant (1).
Genome position (GRCh38, 1-based): chr1:103,025,830, T>G on the plus strand (A>C on the coding strand, the complement: COL11A1 is on the minus strand). VCF-style: chr1-103025830-T-G. GRCh37 (hg19) VCF-style: chr1-103491386-T-G.
Other names: c.903A>C, p.Gln301His (NM_080629.3); c.781-217A>C (NM_001190709.2); c.897+386A>C (NM_080630.4); short protein forms Q301H.
Identifiers: ClinVar variation 1215060 (VCV001215060.4), dbSNP rs763456639, ClinGen allele CA975229.

ClinVar aggregate classification (germline): Uncertain significance (1 of 4 stars; one submission).

Allele frequency attached by ClinVar (database versions not stated): ExAC 0.00001; TOPMed 0.00001; gnomAD exomes 0.00002; gnomAD 0.00001.
gnomAD v4.1: 29 of 1,613,480 alleles (0.0018%); highest among the groups gnomAD compares: Non-Finnish European, 0.0025%; no homozygotes.

Submission:

GeneDx
Classification: Uncertain significance. Last evaluated: 2025-10-23. Review status: criteria provided, single submitter. Criteria: GeneDx Variant Classification Process June 2021. Collection method: clinical testing. Allele origin: germline. Affected: yes.
Comment: Not observed in large population cohorts (gnomAD); In silico analysis suggests that this missense variant does not alter protein structure/function; Not located in the triple helical region, where the majority of pathogenic missense variants occur (HGMD; PMID: 25240749); Reported using an alternate transcript of the gene; Has not been previously published as pathogenic or benign to our knowledge; This variant is associated with the following publications: (PMID: 25240749)